The following is an entry in ClinVar:

NM_006904.7(PRKDC):c.149T>G (p.Val50Gly)

Genes: PRKDC (protein kinase, DNA-activated, catalytic subunit; minus strand), LOC130000337 (ATAC-STARR-seq lymphoblastoid silent region 19176; plus strand). Cytogenetic location: 8q11.21.
Variant type: single nucleotide variant.
Coding change: c.149T>G on transcript NM_006904.7 (MANE Select); coding-DNA position 149, T replaced by G.
Protein change: p.Val50Gly; replaces valine 50 with glycine.
Molecular consequence: missense variant.
Genome position (GRCh38, 1-based): chr8:47,959,978, A>C on the plus strand (T>G on the coding strand, the complement: PRKDC is on the minus strand). VCF-style: chr8-47959978-A-C. GRCh37 (hg19) VCF-style: chr8-48872538-A-C.
Other names: c.149T>G, p.Val50Gly (NM_001081640.2); short protein forms V50G.
Identifiers: ClinVar variation 1773969 (VCV001773969.2), dbSNP rs1339010531, ClinGen allele CA371142579.

ClinVar aggregate classification (germline): Uncertain significance (1 of 4 stars; one submission).

Submission:

Ambry Genetics
Classification: Uncertain significance. Last evaluated: 2021-12-10. Review status: criteria provided, single submitter. Criteria: Ambry Variant Classification Scheme 2023. Collection method: clinical testing. Allele origin: germline.
Comment: The p.V50G variant (also known as c.149T>G), located in coding exon 1 of the PRKDC gene, results from a T to G substitution at nucleotide position 149. The valine at codon 50 is replaced by glycine, an amino acid with dissimilar properties. This amino acid position is conserved. In addition, this alteration is predicted to be tolerated by in silico analysis. Since supporting evidence is limited at this time, the clinical significance of this alteration remains unclear.